The following is an entry in ClinVar:

ClinVar aggregate classification (germline): Pathogenic/Likely pathogenic. Review status: criteria provided, multiple submitters, no conflicts (2 of 4 stars). 2 submissions from 2 submitters: Pathogenic (1); Likely pathogenic (1). Last evaluated 2023-07-05.

Conditions:
DNAH5-related disorders.
Primary ciliary dyskinesia. Also called: Ciliary dyskinesia. Identifiers: Orphanet 244, MedGen C0008780, MONDO:0016575, HP:0012265.

Allele frequency attached by ClinVar (database versions not stated): gnomAD exomes below 0.00001.
gnomAD v4.1: 2 of 1,614,110 alleles (0.00012%); highest among the groups gnomAD compares: South Asian, 0.0022%; no homozygotes.

Submissions (2):

Blueprint Genetics
Classification: Likely pathogenic for DNAH5-related disorders. Last evaluated: 2023-07-05. Review status: criteria provided, single submitter. Criteria: ACMG Guidelines, 2015. Collection method: clinical testing. Allele origin: germline. Affected: yes. Observed: 2 variant alleles.

Ambry Genetics
Classification: Pathogenic for Primary ciliary dyskinesia. Last evaluated: 2021-06-15. Review status: criteria provided, single submitter. Criteria: Ambry Variant Classification Scheme 2023. Collection method: clinical testing. Allele origin: germline.
Comment: The p.Q1968* pathogenic mutation (also known as c.5902C>T), located in coding exon 36 of the DNAH5 gene, results from a C to T substitution at nucleotide position 5902. This changes the amino acid from a glutamine to a stop codon within coding exon 36. This alteration is expected to result in loss of function by premature protein truncation or nonsense-mediated mRNA decay. As such, this alteration is interpreted as a disease-causing mutation.

NM_001369.3(DNAH5):c.5902C>T (p.Gln1968Ter)

Gene: DNAH5 (dynein axonemal heavy chain 5; minus strand). Cytogenetic location: 5p15.2.
Variant type: single nucleotide variant.
Coding change: c.5902C>T on transcript NM_001369.3 (MANE Select); coding-DNA position 5902, C replaced by T.
Protein change: p.Gln1968Ter; replaces glutamine 1968 with a stop codon.
Molecular consequence: nonsense.
Genome position (GRCh38, 1-based): chr5:13,830,756, G>A on the plus strand (C>T on the coding strand, the complement: DNAH5 is on the minus strand). VCF-style: chr5-13830756-G-A. GRCh37 (hg19) VCF-style: chr5-13830865-G-A.
Other names: short protein forms Q1968*.
Identifiers: ClinVar variation 1750415 (VCV001750415.3), dbSNP rs775125740, ClinGen allele CA3203536.
Genomic context (GRCh38, chr5:13,830,756, plus strand): 5'-CTGTTTTGCCTGTGCCTGCAGGTCCAGCAGGGGCTCCCCCCATGCTCATTCCCAGAGCTT[G>A]AGCCAGCGTGATGTAACATCTGCATGGGTAGAAACATCACTAGAACCAGCCCTCAGTCAC-3'